The following is an entry in ClinVar:

ClinVar aggregate classification (germline): Uncertain significance (1 of 4 stars; one submission).

Conditions:
Cardiovascular phenotype. Identifiers: MedGen CN230736.

Allele frequency attached by ClinVar (database versions not stated): TOPMed 0.00001; gnomAD 0.00002.
gnomAD v4.1: 3 of 1,613,900 alleles (0.00019%); highest among the groups gnomAD compares: African/African-American, 0.004%; no homozygotes.

Submission:

Ambry Genetics
Classification: Uncertain significance for Cardiovascular phenotype. Last evaluated: 2025-07-13. Review status: criteria provided, single submitter. Criteria: Ambry Variant Classification Scheme 2023. Collection method: clinical testing. Allele origin: germline.
Comment: The p.G772A variant (also known as c.2315G>C), located in coding exon 15 of the ABCA1 gene, results from a G to C substitution at nucleotide position 2315. The glycine at codon 772 is replaced by alanine, an amino acid with similar properties. This amino acid position is conserved. In addition, this alteration is predicted to be tolerated by in silico analysis. Since supporting evidence is limited at this time, the clinical significance of this alteration remains unclear.

NM_005502.4(ABCA1):c.2315G>C (p.Gly772Ala)

Gene: ABCA1 (ATP binding cassette subfamily A member 1; minus strand). Cytogenetic location: 9q31.1.
Variant type: single nucleotide variant.
Coding change: c.2315G>C on transcript NM_005502.4 (MANE Select); coding-DNA position 2315, G replaced by C.
Protein change: p.Gly772Ala; replaces glycine 772 with alanine.
Molecular consequence: missense variant.
Genome position (GRCh38, 1-based): chr9:104,826,970, C>G on the plus strand (G>C on the coding strand, the complement: ABCA1 is on the minus strand). VCF-style: chr9-104826970-C-G. GRCh37 (hg19) VCF-style: chr9-107589251-C-G.
Other names: short protein forms G772A.
Identifiers: ClinVar variation 1789485 (VCV001789485.3), dbSNP rs955212668, ClinGen allele CA197393752.
Genomic context (GRCh38, chr9:104,826,970, plus strand): 5'-ATGCCTACAGCCACTGAAGAAAGGCCAGAGGTACTCACAGCGAAGATCTTGAGTGTGAAG[C>G]CCACGTAGTCCTGCCATGCCACACACAGGACGTAGGGCAGGTACAGCGTGAAGTAGATGA-3'
Protein context (NP_005493.2, residues 762-782): VLCVAWQDYV[Gly772Ala]FTLKIFASLL